The following is an entry in ClinVar:

ClinVar aggregate classification (germline): Pathogenic (1 of 4 stars; one submission).

Conditions:
Charcot-Marie-Tooth disease type 2. Also called: Charcot-Marie-Tooth type 2. Identifiers: Orphanet 64746, MedGen C0270914, MONDO:0018993.

Submission:

Labcorp Genetics (formerly Invitae), Labcorp
Classification: Pathogenic for Charcot-Marie-Tooth disease type 2. Last evaluated: 2024-03-07. Review status: criteria provided, single submitter. Criteria: Invitae Variant Classification Sherloc (09022015). Collection method: clinical testing. Allele origin: germline.
Comment: This sequence change creates a premature translational stop signal (p.Val70Serfs*26) in the LMNA gene. It is expected to result in an absent or disrupted protein product. Loss-of-function variants in LMNA are known to be pathogenic (PMID: 18585512, 18926329). This variant is not present in population databases (gnomAD no frequency). This variant has not been reported in the literature in individuals affected with LMNA-related conditions. For these reasons, this variant has been classified as Pathogenic.

Literature cited by the submitters: PubMed 18585512; PubMed 18926329.

NM_170707.4(LMNA):c.208del (p.Val70fs)

Gene: LMNA (lamin A/C; plus strand). Cytogenetic location: 1q22.
Variant type: Deletion.
Coding change: c.208del on transcript NM_170707.4 (MANE Select); coding-DNA position 208, one base deleted (G; older notation c.208delG).
Protein change: p.Val70fs; shifts the reading frame from valine 70.
Molecular consequence: frameshift variant. On other transcripts: 5 prime UTR variant (8), intron variant (2).
Genome position (GRCh38, 1-based): chr1:156,115,126, G deleted; the last of 2 consecutive G bases (chr1:156,115,125-156,115,126); deleting either gives the same sequence. VCF-style (leftmost placement, unchanged base first): chr1-156115124-TG-T. GRCh37 (hg19) VCF-style: chr1-156084915-TG-T.
Other names: c.208del, p.Val70fs (NM_001282625.2, NM_001282626.2, NM_001406983.1 and 6 more transcripts); c.-216del (NM_001406986.1); c.-194del (NM_001406990.1, NM_001406995.1, NM_001407002.1); c.-457del (NM_001406994.1, NM_001407000.1); c.-637del (NM_001406999.1); c.-300del (NM_001407001.1); c.-203+8303del (NM_001406993.1, NM_001407003.1); short protein forms V70fs.
Identifiers: ClinVar variation 3643889 (VCV003643889.2).